The following is an entry in ClinVar:

NM_000256.3(MYBPC3):c.3382_3388del (p.Glu1128fs)

Gene: MYBPC3 (myosin binding protein C3; minus strand). Cytogenetic location: 11p11.2.
Variant type: Deletion.
Coding change: c.3382_3388del on transcript NM_000256.3 (MANE Select); coding-DNA positions 3382 to 3388, 7 bases deleted (GAGCTCA; older notation c.3382_3388delGAGCTCA).
Protein change: p.Glu1128fs; shifts the reading frame from glutamic acid 1128.
Molecular consequence: frameshift variant.
Genome position (GRCh38, 1-based): chr11:47,332,916-47,332,922, TGAGCTC deleted on the plus strand (GAGCTCA on the coding strand, the reverse complement: MYBPC3 is on the minus strand); deleting any 7 consecutive bases within chr11:47,332,916-47,332,924 gives the same sequence; the c. name uses the placement nearest the transcript's 3' end. VCF-style (leftmost placement, unchanged base first): chr11-47332915-ATGAGCTC-A. GRCh37 (hg19) VCF-style: chr11-47354466-ATGAGCTC-A.
Other names: short protein forms E1128fs.
Identifiers: ClinVar variation 2706649 (VCV002706649.3), dbSNP rs2495738769, ClinGen allele CA2697548533.

ClinVar aggregate classification (germline): Pathogenic (1 of 4 stars; one submission).

Conditions:
Hypertrophic cardiomyopathy. Also called: HYPERTROPHIC MYOCARDIOPATHY. Identifiers: Orphanet 217569, MedGen C0007194, MeSH D002312, MONDO:0005045, HP:0001639.

Submission:

Labcorp Genetics (formerly Invitae), Labcorp
Classification: Pathogenic for Hypertrophic cardiomyopathy. Last evaluated: 2023-12-30. Review status: criteria provided, single submitter. Criteria: Invitae Variant Classification Sherloc (09022015). Collection method: clinical testing. Allele origin: germline.
Comment: This sequence change creates a premature translational stop signal (p.Glu1128Serfs*59) in the MYBPC3 gene. It is expected to result in an absent or disrupted protein product. Loss-of-function variants in MYBPC3 are known to be pathogenic (PMID: 19574547). This variant is not present in population databases (gnomAD no frequency). This variant has not been reported in the literature in individuals affected with MYBPC3-related conditions. For these reasons, this variant has been classified as Pathogenic.

Literature cited by the submitters: PubMed 19574547.